The following is an entry in ClinVar:

NM_006015.6(ARID1A):c.3159C>T (p.Arg1053=)

Gene: ARID1A (AT-rich interaction domain 1A; plus strand). Cytogenetic location: 1p36.11.
Variant type: single nucleotide variant.
Coding change: c.3159C>T on transcript NM_006015.6 (MANE Select); coding-DNA position 3159, C replaced by T.
Protein change: p.Arg1053=; no amino-acid change (arginine 1053 retained).
Molecular consequence: synonymous variant.
Genome position (GRCh38, 1-based): chr1:26,767,960, C>T. VCF-style: chr1-26767960-C-T. GRCh37 (hg19) VCF-style: chr1-27094451-C-T.
Other names: c.3159C>T, p.Arg1053= (NM_139135.4).
Identifiers: ClinVar variation 3029356 (VCV003029356.2), dbSNP rs187798522, ClinGen allele CA707153.

ClinVar aggregate classification (germline): Likely benign (0 of 4 stars; one submission).

Conditions:
ARID1A-related disorder. Also called: ARID1A-related condition.

Allele frequency attached by ClinVar (database versions not stated): gnomAD 0.00002; TOPMed 0.00002; ExAC 0.00007; 1000 Genomes Project 30x 0.00016; 1000 Genomes Project 0.00020.
gnomAD v4.1: 24 of 1,613,990 alleles (0.0015%); highest among the groups gnomAD compares: Admixed American, 0.005%; no homozygotes.

Submission:

PreventionGenetics, part of Exact Sciences
Classification: Likely benign for ARID1A-related condition. Last evaluated: 2022-07-05. Review status: no assertion criteria provided. Collection method: clinical testing. Allele origin: germline.
Comment: This variant is classified as likely benign based on ACMG/AMP sequence variant interpretation guidelines (Richards et al. 2015 PMID: 25741868, with internal and published modifications).